The following is an entry in ClinVar:

NM_024996.7(GFM1):c.1764+1G>T

Gene: GFM1 (G elongation factor mitochondrial 1; plus strand). Cytogenetic location: 3q25.32.
Variant type: single nucleotide variant.
Coding change: c.1764+1G>T on transcript NM_024996.7 (MANE Select); the canonical splice donor site of the intron after coding-DNA position 1764, G replaced by T.
Molecular consequence: splice donor variant. On other transcripts: missense variant (1).
Genome position (GRCh38, 1-based): chr3:158,682,158, G>T. VCF-style: chr3-158682158-G-T. GRCh37 (hg19) VCF-style: chr3-158399947-G-T.
Other names: c.1765G>T, p.Val589Leu (NM_001308166.2); c.1821+1G>T (NM_001308164.2); c.1539+1G>T (NM_001374357.1); c.1683+1G>T (NM_001374355.1); c.1647+1G>T (NM_001374356.1); c.1197+1G>T (NM_001374359.1, NM_001374360.1); c.1080+1G>T (NM_001374361.1); c.1305+1G>T (NM_001374358.1); short protein forms V589L.
Identifiers: ClinVar variation 2632604 (VCV002632604.1), dbSNP rs2473037328, ClinGen allele CA355181312.
Genomic context (GRCh38, chr3:158,682,158, plus strand): 5'-TTTTCAGATGAAACATTCGGATCAAATATTCCAAAGCAGTTTGTGCCTGCTGTAGAAAAG[G>T]TAAATTTTTAAAAAAGTGTTTTTGCATTTTTACTTACTAAAAACAGTTTATCAGGTATTA-3'

ClinVar aggregate classification (germline): Likely pathogenic (1 of 4 stars; one submission).

Conditions:
GFM1-related disorder. Also called: GFM1-related condition.

Submission:

PreventionGenetics, part of Exact Sciences
Classification: Likely pathogenic for GFM1-related condition. Last evaluated: 2023-06-07. Review status: criteria provided, single submitter. Criteria: ACMG Guidelines, 2015. Collection method: clinical testing. Allele origin: germline.
Comment: The GFM1 c.1821+1G>T variant is predicted to disrupt the GT donor site and interfere with normal splicing. To our knowledge, this variant has not been reported in the literature or in a large population database, indicating this variant is rare. Variants that disrupt the consensus splice donor site in GFM1 are expected to be pathogenic. This variant is interpreted as likely pathogenic.